The following is an entry in ClinVar:

NM_002294.3(LAMP2):c.928+5G>A

Gene: LAMP2 (lysosome associated membrane protein 2; minus strand). Cytogenetic location: Xq24.
Variant type: single nucleotide variant.
Coding change: c.928+5G>A on transcript NM_002294.3 (MANE Select); 5 bases into the intron after coding-DNA position 928, G replaced by A.
Molecular consequence: intron variant.
Genome position (GRCh38, 1-based): chrX:120,442,594, C>T on the plus strand (G>A on the coding strand, the complement: LAMP2 is on the minus strand). VCF-style: chrX-120442594-C-T. GRCh37 (hg19) VCF-style: chrX-119576449-C-T.
Other names: c.928+5G>A (NM_001122606.1, NM_013995.2).
Identifiers: ClinVar variation 2843286 (VCV002843286.3), dbSNP rs2520864276, ClinGen allele CA2739273745.

ClinVar aggregate classification (germline): Uncertain significance (1 of 4 stars; one submission).

Conditions:
Danon disease. Also called: Glycogen Storage Disease Type IIb; ANTOPOL DISEASE; PSEUDOGLYCOGENOSIS II; GSD IIb; LYSOSOMAL GLYCOGEN STORAGE DISEASE WITHOUT ACID MALTASE DEFICIENCY. Identifiers: Orphanet 34587, MedGen C0878677, MONDO:0010281, OMIM 300257.

Submission:

Labcorp Genetics (formerly Invitae), Labcorp
Classification: Uncertain significance for Danon disease. Last evaluated: 2023-05-16. Review status: criteria provided, single submitter. Criteria: Invitae Variant Classification Sherloc (09022015). Collection method: clinical testing. Allele origin: germline.
Comment: This sequence change falls in intron 7 of the LAMP2 gene. It does not directly change the encoded amino acid sequence of the LAMP2 protein. It affects a nucleotide within the consensus splice site. This variant is not present in population databases (gnomAD no frequency). In summary, the available evidence is currently insufficient to determine the role of this variant in disease. Therefore, it has been classified as a Variant of Uncertain Significance. Variants that disrupt the consensus splice site are a relatively common cause of aberrant splicing (PMID: 17576681, 9536098). Algorithms developed to predict the effect of sequence changes on RNA splicing suggest that this variant may disrupt the consensus splice site. This variant has not been reported in the literature in individuals affected with LAMP2-related conditions.

Literature cited by the submitters: PubMed 17576681; PubMed 9536098.